The following is an entry in ClinVar:

ClinVar aggregate classification (germline): Pathogenic. Review status: criteria provided, single submitter (1 of 4 stars). 4 submissions from 4 submitters: Pathogenic (1). 3 of the submissions do not count toward it. Last evaluated 2025-09-10.

Conditions:
WNT10B-related disorder. Also called: WNT10B-related condition.
Split hand-foot malformation 6. Also called: ECTRODACTYLY, AUTOSOMAL RECESSIVE. Identifiers: Orphanet 2440, MedGen C2749665, MONDO:0009157, OMIM 225300.

Allele frequency attached by ClinVar (database versions not stated): ExAC 0.00002; gnomAD exomes 0.00001.

Submissions (4):

Genomic Medicine Center of Excellence, King Faisal Specialist Hospital and Research Centre
Classification: Pathogenic for Split hand-foot malformation 6. Last evaluated: 2025-09-10. Review status: criteria provided, single submitter. Criteria: ACMG Guidelines, 2015. Collection method: clinical testing. Allele origin: germline.

PreventionGenetics, part of Exact Sciences
Classification: Pathogenic for WNT10B-related condition. Last evaluated: 2024-07-30. Review status: no assertion criteria provided. Collection method: clinical testing. Allele origin: germline. Not counted in ClinVar's aggregate classification.
Comment: The WNT10B c.676C>T variant is predicted to result in premature protein termination (p.Arg226*). This variant, in the homozygous or compound heterozygous condition along with a second variant in this gene, has been reported in multiple affected individuals from two families with autosomal recessive split hand/foot malformation (Al Ghamdi et al. 2019. PubMed ID: 31421290). This variant is reported in 0.0026% of alleles in individuals of European (Non-Finnish) descent in gnomAD. Nonsense variants in WNT10B are expected to be pathogenic. This variant is interpreted as pathogenic.

Molecular Pathology and Genetics, King Abdulaziz Medical City, Ministry of National Guard - Health Affairs
Classification: Likely pathogenic for Split hand-foot malformation 6. Last evaluated: 2019-02-04. Review status: no assertion criteria provided. Collection method: clinical testing. Allele origin: germline. Affected: yes. Not counted in ClinVar's aggregate classification.
Comment: This variant was observed in compound heterozygosity with variant NM_003394.3:c.257A>C

Bioscientia Institut fuer Medizinische Diagnostik GmbH, Sonic Healthcare
Classification: Likely pathogenic for Split hand-foot malformation 6. Last evaluated: 2017-09-18. Review status: no assertion criteria provided. Collection method: clinical testing. Allele origin: germline. Affected: yes. Not counted in ClinVar's aggregate classification.

NM_003394.4(WNT10B):c.676C>T (p.Arg226Ter)

Gene: WNT10B (Wnt family member 10B; minus strand). Cytogenetic location: 12q13.12.
Variant type: single nucleotide variant.
Coding change: c.676C>T on transcript NM_003394.4 (MANE Select); coding-DNA position 676, C replaced by T.
Protein change: p.Arg226Ter; replaces arginine 226 with a stop codon.
Molecular consequence: nonsense.
Genome position (GRCh38, 1-based): chr12:48,967,981, G>A on the plus strand (C>T on the coding strand, the complement: WNT10B is on the minus strand). VCF-style: chr12-48967981-G-A. GRCh37 (hg19) VCF-style: chr12-49361764-G-A.
Other names: short protein forms R226*.
Identifiers: ClinVar variation 522440 (VCV000522440.6), dbSNP rs763991433, ClinGen allele CA6544127.